The following is an entry in ClinVar:

NM_007198.4(PLPBP):c.784G>A (p.Ala262Thr)

Gene: PLPBP (pyridoxal phosphate binding protein; plus strand). Cytogenetic location: 8p11.23.
Variant type: single nucleotide variant.
Coding change: c.784G>A on transcript NM_007198.4 (MANE Select); coding-DNA position 784, G replaced by A.
Protein change: p.Ala262Thr; replaces alanine 262 with threonine.
Molecular consequence: missense variant.
Genome position (GRCh38, 1-based): chr8:37,778,060, G>A. VCF-style: chr8-37778060-G-A. GRCh37 (hg19) VCF-style: chr8-37635578-G-A.
Other names: c.814G>A, p.Ala272Thr (NM_001349346.2); c.778G>A, p.Ala260Thr (NM_001349347.2); c.628G>A, p.Ala210Thr (NM_001349348.2); short protein forms A262T, A260T, A272T, A210T.
Identifiers: ClinVar variation 2062784 (VCV002062784.2), dbSNP rs781551732, ClinGen allele CA4711365.

ClinVar aggregate classification (germline): Conflicting classifications of pathogenicity. Review status: criteria provided, conflicting classifications (1 of 4 stars). 2 submissions from 2 submitters: Uncertain significance (1); Likely benign (1). Last evaluated 2022-05-03.

Allele frequency attached by ClinVar (database versions not stated): gnomAD 0.00001; TOPMed 0.00001; ExAC 0.00002; gnomAD exomes 0.00002.

Submissions (2):

Labcorp Genetics (formerly Invitae), Labcorp
Classification: Uncertain significance. Last evaluated: 2022-05-03. Review status: criteria provided, single submitter. Criteria: Invitae Variant Classification Sherloc (09022015). Collection method: clinical testing. Allele origin: germline.
Comment: This sequence change replaces alanine, which is neutral and non-polar, with threonine, which is neutral and polar, at codon 262 of the PROSC protein (p.Ala262Thr). This variant is present in population databases (rs781551732, gnomAD 0.004%). This variant has not been reported in the literature in individuals affected with PROSC-related conditions. Algorithms developed to predict the effect of missense changes on protein structure and function output the following: SIFT: "Tolerated"; PolyPhen-2: "Benign"; Align-GVGD: "Class C0". The threonine amino acid residue is found in multiple mammalian species, which suggests that this missense change does not adversely affect protein function. In summary, the available evidence is currently insufficient to determine the role of this variant in disease. Therefore, it has been classified as a Variant of Uncertain Significance.

Blueprint Genetics
Classification: Likely benign. Last evaluated: 2020-07-28. Review status: criteria provided, single submitter. Criteria: ACMG Guidelines, 2015. Collection method: clinical testing. Allele origin: germline.